The following is an entry in ClinVar:

NM_001101362.3(KBTBD13):c.552G>C (p.Glu184Asp)

Gene: KBTBD13 (kelch repeat and BTB domain containing 13; plus strand). Cytogenetic location: 15q22.31.
Variant type: single nucleotide variant.
Coding change: c.552G>C on transcript NM_001101362.3 (MANE Select); coding-DNA position 552, G replaced by C.
Protein change: p.Glu184Asp; replaces glutamic acid 184 with aspartic acid.
Molecular consequence: missense variant.
Genome position (GRCh38, 1-based): chr15:65,077,367, G>C. VCF-style: chr15-65077367-G-C. GRCh37 (hg19) VCF-style: chr15-65369705-G-C.
Other names: short protein forms E184D.
Identifiers: ClinVar variation 859552 (VCV000859552.11), dbSNP rs1595912705, ClinGen allele CA392861469.

ClinVar aggregate classification (germline): Uncertain significance. Review status: criteria provided, multiple submitters, no conflicts (2 of 4 stars). 2 submissions from 2 submitters: Uncertain significance (2). Last evaluated 2019-01-19.

Conditions:
Nemaline myopathy 6 (NEM6). Also called: Nemaline myopathy 6, autosomal dominant. Identifiers: Orphanet 171439, MedGen C1836472, MONDO:0012237, OMIM 609273.

Allele frequency attached by ClinVar (database versions not stated): gnomAD 0.00001; 1000 Genomes Project 30x 0.00031.

Submissions (2):

Labcorp Genetics (formerly Invitae), Labcorp
Classification: Uncertain significance for Nemaline myopathy 6. Last evaluated: 2019-01-19. Review status: criteria provided, single submitter. Criteria: Invitae Variant Classification Sherloc (09022015). Collection method: clinical testing. Allele origin: germline.
Comment: In summary, the available evidence is currently insufficient to determine the role of this variant in disease. Therefore, it has been classified as a Variant of Uncertain Significance. Algorithms developed to predict the effect of missense changes on protein structure and function (SIFT, PolyPhen-2, Align-GVGD) all suggest that this variant is likely to be tolerated, but these predictions have not been confirmed by published functional studies and their clinical significance is uncertain. This variant has not been reported in the literature in individuals with KBTBD13-related conditions. The frequency data for this variant in the population databases is considered unreliable, as metrics indicate insufficient coverage at this position in the ExAC database. This sequence change replaces glutamic acid with aspartic acid at codon 184 of the KBTBD13 protein (p.Glu184Asp). The glutamic acid residue is weakly conserved and there is a small physicochemical difference between glutamic acid and aspartic acid.

Breakthrough Genomics
Classification: Uncertain significance. Review status: criteria provided, single submitter. Criteria: ACMG Guidelines, 2015. Collection method: not provided. Allele origin: germline. Inheritance: Autosomal dominant inheritance. Affected: yes.